The following is an entry in ClinVar:

NM_000535.7(PMS2):c.2442G>C (p.Lys814Asn)

Gene: PMS2 (PMS1 homolog 2, mismatch repair system component; minus strand). Cytogenetic location: 7p22.1.
Variant type: single nucleotide variant.
Coding change: c.2442G>C on transcript NM_000535.7 (MANE Select); coding-DNA position 2442, G replaced by C.
Protein change: p.Lys814Asn; replaces lysine 814 with asparagine.
Molecular consequence: missense variant. On other transcripts: non-coding transcript variant (1).
Genome position (GRCh38, 1-based): chr7:5,977,591, C>G on the plus strand (G>C on the coding strand, the complement: PMS2 is on the minus strand). VCF-style: chr7-5977591-C-G. GRCh37 (hg19) VCF-style: chr7-6017222-C-G.
Other names: c.2106G>C, p.Lys702Asn (NM_001406885.1); c.2076G>C, p.Lys692Asn (NM_001406886.1); c.2070G>C, p.Lys690Asn (NM_001406887.1, NM_001406888.1, NM_001322009.2); c.2037G>C, p.Lys679Asn (NM_001406889.1, NM_001406890.1, NM_001406891.1 and 11 more transcripts); c.1977G>C, p.Lys659Asn (NM_001406900.1); c.1968G>C, p.Lys656Asn (NM_001406901.1, NM_001406902.1); c.1956G>C, p.Lys652Asn (NM_001406903.1); c.1929G>C, p.Lys643Asn (NM_001406904.1, NM_001406905.1); and 20 more; short protein forms K503N, K575N, K627N, K719N, K778N, K876N, K413N, K557N.
Identifiers: ClinVar variation 3421474 (VCV003421474.2).

ClinVar aggregate classification (germline): Uncertain significance. Review status: criteria provided, multiple submitters, no conflicts (2 of 4 stars). 2 submissions from 2 submitters: Uncertain significance (2). Last evaluated 2025-03-18.

Conditions:
Hereditary nonpolyposis colorectal neoplasms. Identifiers: MedGen C0009405, MeSH D003123.
Hereditary cancer-predisposing syndrome. Also called: Neoplastic Syndromes, Hereditary; Tumor predisposition; Hereditary Cancer Syndrome; Hereditary neoplastic syndrome. Identifiers: Orphanet 140162, MedGen C0027672, MeSH D009386, MONDO:0015356.

Submissions (2):

Labcorp Genetics (formerly Invitae), Labcorp
Classification: Uncertain significance for Hereditary nonpolyposis colorectal neoplasms. Last evaluated: 2025-03-18. Review status: criteria provided, single submitter. Criteria: Invitae Variant Classification Sherloc (09022015). Collection method: clinical testing. Allele origin: germline.
Comment: This sequence change replaces lysine, which is basic and polar, with asparagine, which is neutral and polar, at codon 814 of the PMS2 protein (p.Lys814Asn). The frequency data for this variant in the population databases (gnomAD) is considered unreliable due to the presence of homologous sequence, such as pseudogenes or paralogs, in the genome. This variant has not been reported in the literature in individuals affected with PMS2-related conditions. ClinVar contains an entry for this variant (Variation ID: 3421474). Invitae Evidence Modeling incorporating data from in vitro experimental studies (internal data) indicates that this missense variant is not expected to disrupt PMS2 function with a negative predictive value of 95%. In summary, the available evidence is currently insufficient to determine the role of this variant in disease. Therefore, it has been classified as a Variant of Uncertain Significance.

Ambry Genetics
Classification: Uncertain significance for Hereditary cancer-predisposing syndrome. Last evaluated: 2024-08-06. Review status: criteria provided, single submitter. Criteria: Ambry Variant Classification Scheme 2023. Collection method: clinical testing. Allele origin: germline.
Comment: The p.K814N variant (also known as c.2442G>C), located in coding exon 14 of the PMS2 gene, results from a G to C substitution at nucleotide position 2442. The lysine at codon 814 is replaced by asparagine, an amino acid with similar properties. This amino acid position is highly conserved in available vertebrate species. In addition, the in silico prediction for this alteration is inconclusive. Based on the available evidence, the clinical significance of this variant remains unclear.